The following is an entry in ClinVar:

ClinVar aggregate classification (germline): Uncertain significance (1 of 4 stars; one submission).

Conditions:
Autosomal recessive severe congenital neutropenia due to CSF3R deficiency. Also called: Neutropenia, severe congenital, 7, autosomal recessive. Identifiers: Orphanet 420702, MedGen C4310764, MONDO:0014865, OMIM 617014.

Allele frequency attached by ClinVar (database versions not stated): TOPMed below 0.00001; gnomAD 0.00001.

Submission:

Labcorp Genetics (formerly Invitae), Labcorp
Classification: Uncertain significance for Autosomal recessive severe congenital neutropenia due to CSF3R deficiency. Last evaluated: 2022-05-16. Review status: criteria provided, single submitter. Criteria: Invitae Variant Classification Sherloc (09022015). Collection method: clinical testing. Allele origin: germline.
Comment: This variant is present in population databases (no rsID available, gnomAD 0.005%). This variant has not been reported in the literature in individuals affected with CSF3R-related conditions. Algorithms developed to predict the effect of missense changes on protein structure and function are either unavailable or do not agree on the potential impact of this missense change (SIFT: "Tolerated"; PolyPhen-2: "Probably Damaging"; Align-GVGD: "Class C0"). In summary, the available evidence is currently insufficient to determine the role of this variant in disease. Therefore, it has been classified as a Variant of Uncertain Significance. This sequence change replaces proline, which is neutral and non-polar, with serine, which is neutral and polar, at codon 229 of the CSF3R protein (p.Pro229Ser).

NM_000760.4(CSF3R):c.685C>T (p.Pro229Ser)

Gene: CSF3R (colony stimulating factor 3 receptor; minus strand). Cytogenetic location: 1p34.3.
Variant type: single nucleotide variant.
Coding change: c.685C>T on transcript NM_000760.4 (MANE Select); coding-DNA position 685, C replaced by T.
Protein change: p.Pro229Ser; replaces proline 229 with serine.
Molecular consequence: missense variant.
Genome position (GRCh38, 1-based): chr1:36,472,675, G>A on the plus strand (C>T on the coding strand, the complement: CSF3R is on the minus strand). VCF-style: chr1-36472675-G-A. GRCh37 (hg19) VCF-style: chr1-36938276-G-A.
Other names: c.685C>T, p.Pro229Ser (NM_156039.3, NM_172313.3); short protein forms P229S.
Identifiers: ClinVar variation 2188571 (VCV002188571.4), dbSNP rs751578398, ClinGen allele CA339423304.